The following is an entry in ClinVar:

ClinVar aggregate classification (germline): Uncertain significance. Review status: criteria provided, multiple submitters, no conflicts (2 of 4 stars). 2 submissions from 2 submitters: Uncertain significance (2). Last evaluated 2025-09-10.

Submissions (2):

Ambry Genetics
Classification: Uncertain significance. Last evaluated: 2025-09-10. Review status: criteria provided, single submitter. Criteria: Ambry Variant Classification Scheme 2023. Collection method: clinical testing. Allele origin: germline.

Labcorp Genetics (formerly Invitae), Labcorp
Classification: Uncertain significance. Last evaluated: 2024-06-06. Review status: criteria provided, single submitter. Criteria: Invitae Variant Classification Sherloc (09022015). Collection method: clinical testing. Allele origin: germline.
Comment: This sequence change replaces arginine, which is basic and polar, with tryptophan, which is neutral and slightly polar, at codon 538 of the SYNPO protein (p.Arg538Trp). This variant is present in population databases (rs753494176, gnomAD 0.005%). This variant has not been reported in the literature in individuals affected with SYNPO-related conditions. An algorithm developed to predict the effect of missense changes on protein structure and function (PolyPhen-2) suggests that this variant is likely to be disruptive. In summary, the available evidence is currently insufficient to determine the role of this variant in disease. Therefore, it has been classified as a Variant of Uncertain Significance.

NM_007286.6(SYNPO):c.1612C>T (p.Arg538Trp)

Gene: SYNPO (synaptopodin; plus strand). Cytogenetic location: 5q33.1.
Variant type: single nucleotide variant.
Coding change: c.1612C>T on transcript NM_007286.6 (MANE Select); coding-DNA position 1612, C replaced by T.
Protein change: p.Arg538Trp; replaces arginine 538 with tryptophan.
Molecular consequence: missense variant.
Genome position (GRCh38, 1-based): chr5:150,649,887, C>T. VCF-style: chr5-150649887-C-T. GRCh37 (hg19) VCF-style: chr5-150029449-C-T.
Other names: c.1612C>T, p.Arg538Trp (NM_001109974.3); c.2344C>T, p.Arg782Trp (NM_001166208.2, NM_001166209.2); c.2344C>T (NM_001166208.1); short protein forms R782W, R538W.
Identifiers: ClinVar variation 3697451 (VCV003697451.3).